The following is an entry in ClinVar:

ClinVar aggregate classification (germline): Likely benign. Review status: criteria provided, multiple submitters, no conflicts (2 of 4 stars). 2 submissions from 2 submitters: Likely benign (2). Last evaluated 2024-12-15.

Conditions:
Autosomal recessive spinocerebellar ataxia 12. Also called: SPINOCEREBELLAR ATAXIA WITH MENTAL RETARDATION AND EPILEPSY. Identifiers: Orphanet 284282, MedGen C3280452, MONDO:0013687, OMIM 614322.
Developmental and epileptic encephalopathy, 1 (DEE1). Also called: OHTAHARA SYNDROME, X-LINKED; INFANTILE SPASM SYNDROME, X-LINKED 1; Epileptic encephalopathy, early infantile, 1; X-linked infantile spasms; West's syndrome; Tonic spasms with clustering, arrest of psychomotor development and hypsarrhythmia on EEG. Identifiers: MedGen C3463992, MONDO:0010632, OMIM 308350. Disease mechanism: loss of function.

Submissions (2):

Labcorp Genetics (formerly Invitae), Labcorp
Classification: Likely benign for Developmental and epileptic encephalopathy, 1; Autosomal recessive spinocerebellar ataxia 12. Last evaluated: 2024-12-15. Review status: criteria provided, single submitter. Criteria: Invitae Variant Classification Sherloc (09022015). Collection method: clinical testing. Allele origin: germline.

GeneDx
Classification: Likely benign. Last evaluated: 2017-08-28. Review status: criteria provided, single submitter. Criteria: GeneDx Variant Classification (06012015). Collection method: clinical testing. Allele origin: germline. Affected: yes.
Comment: This variant is considered likely benign or benign based on one or more of the following criteria: it is a conservative change, it occurs at a poorly conserved position in the protein, it is predicted to be benign by multiple in silico algorithms, and/or has population frequency not consistent with disease.

NM_016373.4(WWOX):c.1057-18_1057-17dup

Genes: MAF (MAF bZIP transcription factor; minus strand), WWOX (WW domain containing oxidoreductase; plus strand). Cytogenetic location: 16q23.2.
Variant type: Duplication.
Coding change: c.1057-18_1057-17dup on transcript NM_016373.4 (MANE Select); 18 bases into the intron before coding-DNA position 1057 through 17 bases into the intron before coding-DNA position 1057, 2 bases duplicated (TT; older notation c.1057-18_1057-17dupTT).
Molecular consequence: intron variant.
Genome position (GRCh38, 1-based): chr16:79,211,590-79,211,591, TT duplicated; duplicating any 2 consecutive bases within chr16:79,211,589-79,211,591 gives the same sequence; the c. name uses the placement nearest the transcript's 3' end. VCF-style (leftmost placement, unchanged base first): chr16-79211588-C-CTT. GRCh37 (hg19) VCF-style: chr16-79245485-C-CTT.
Other names: c.718-18_718-17dup (NM_001291997.2); c.1057-18_1057-17dupTT (NM_016373.2).
Identifiers: ClinVar variation 511782 (VCV000511782.9), dbSNP rs1412456452, ClinGen allele CA624015071.